The following is an entry in ClinVar:

NM_015909.4(NBAS):c.3944G>C (p.Ser1315Thr)

Gene: NBAS (NBAS subunit of NRZ tethering complex; minus strand). Cytogenetic location: 2p24.3.
Variant type: single nucleotide variant.
Coding change: c.3944G>C on transcript NM_015909.4 (MANE Select); coding-DNA position 3944, G replaced by C.
Protein change: p.Ser1315Thr; replaces serine 1315 with threonine.
Molecular consequence: missense variant. On other transcripts: non-coding transcript variant (1).
Genome position (GRCh38, 1-based): chr2:15,353,698, C>G on the plus strand (G>C on the coding strand, the complement: NBAS is on the minus strand). VCF-style: chr2-15353698-C-G. GRCh37 (hg19) VCF-style: chr2-15493822-C-G.
Other names: short protein forms S1315T.
Identifiers: ClinVar variation 2082022 (VCV002082022.4), dbSNP rs2528582005, ClinGen allele CA345890598.
Genomic context (GRCh38, chr2:15,353,698, plus strand): 5'-TGACGAGTGGCCAAGTCCTGGTAACCTTCTGATTGTCCTAACTGGCTACAAACATCCCAA[C>G]TTTTAGGATAACCTGCAAAATTGGCAAGGAAAAAAATGATTCCCAAAAGAAGAAGAATAT-3'
Protein context (NP_056993.2, residues 1305-1325): QELMATGYPK[Ser1315Thr]WDVCSQLGQS

ClinVar aggregate classification (germline): Uncertain significance (1 of 4 stars; one submission).

Submission:

Labcorp Genetics (formerly Invitae), Labcorp
Classification: Uncertain significance. Last evaluated: 2023-10-13. Review status: criteria provided, single submitter. Criteria: Invitae Variant Classification Sherloc (09022015). Collection method: clinical testing. Allele origin: germline.
Comment: This sequence change replaces serine, which is neutral and polar, with threonine, which is neutral and polar, at codon 1315 of the NBAS protein (p.Ser1315Thr). This variant is not present in population databases (gnomAD no frequency). This variant has not been reported in the literature in individuals affected with NBAS-related conditions. ClinVar contains an entry for this variant (Variation ID: 2082022). Advanced modeling of protein sequence and biophysical properties (such as structural, functional, and spatial information, amino acid conservation, physicochemical variation, residue mobility, and thermodynamic stability) has been performed at Invitae for this missense variant, however the output from this modeling did not meet the statistical confidence thresholds required to predict the impact of this variant on NBAS protein function. In summary, the available evidence is currently insufficient to determine the role of this variant in disease. Therefore, it has been classified as a Variant of Uncertain Significance.